The following is an entry in ClinVar:

ClinVar aggregate classification (germline): Likely benign (0 of 4 stars; one submission).

Conditions:
DNMT3A-related disorder. Also called: DNMT3A-related disorders; DNMT3A-related condition.

Submission:

PreventionGenetics, part of Exact Sciences
Classification: Likely benign for DNMT3A-related condition. Last evaluated: 2021-09-15. Review status: no assertion criteria provided. Collection method: clinical testing. Allele origin: germline.
Comment: This variant is classified as likely benign based on ACMG/AMP sequence variant interpretation guidelines (Richards et al. 2015 PMID: 25741868, with internal and published modifications).

NM_022552.5(DNMT3A):c.2040G>A (p.Lys680=)

Gene: DNMT3A (DNA methyltransferase 3 alpha; minus strand). Cytogenetic location: 2p23.3.
Variant type: single nucleotide variant.
Coding change: c.2040G>A on transcript NM_022552.5 (MANE Select); coding-DNA position 2040, G replaced by A.
Protein change: p.Lys680=; no amino-acid change (lysine 680 retained).
Molecular consequence: synonymous variant. On other transcripts: non-coding transcript variant (1).
Genome position (GRCh38, 1-based): chr2:25,241,604, C>T on the plus strand (G>A on the coding strand, the complement: DNMT3A is on the minus strand). VCF-style: chr2-25241604-C-T. GRCh37 (hg19) VCF-style: chr2-25464473-C-T.
Other names: c.1584G>A, p.Lys528= (NM_001320893.1); c.1371G>A, p.Lys457= (NM_001375819.1); c.1473G>A, p.Lys491= (NM_153759.3); c.2040G>A, p.Lys680= (NM_175629.2).
Identifiers: ClinVar variation 3354588 (VCV003354588.1).